The following is an entry in ClinVar:

NM_004415.4(DSP):c.3416A>G (p.Tyr1139Cys)

Gene: DSP (desmoplakin; plus strand). Cytogenetic location: 6p24.3.
Variant type: single nucleotide variant.
Coding change: c.3416A>G on transcript NM_004415.4 (MANE Select); coding-DNA position 3416, A replaced by G.
Protein change: p.Tyr1139Cys; replaces tyrosine 1139 with cysteine.
Molecular consequence: missense variant.
Genome position (GRCh38, 1-based): chr6:7,579,606, A>G. VCF-style: chr6-7579606-A-G. GRCh37 (hg19) VCF-style: chr6-7579839-A-G.
Other names: c.3416A>G, p.Tyr1139Cys (NM_001008844.3, NM_001319034.2); short protein forms Y1139C.
Identifiers: ClinVar variation 3074291 (VCV003074291.5), dbSNP rs1759352647, ClinGen allele CA362684002.
Genomic context (GRCh38, chr6:7,579,606, plus strand): 5'-AAGATGAAAAGAGAAGAAGAAAATCTGTGGAAGACAGATTTGACCAACAGAAGAATGACT[A>G]TGACCAACTGCAGAAAGCAAGGCAATGTGAAAAGGAGAACCTTGGTTGGCAGAAATTAGA-3'
Protein context (NP_004406.2, residues 1129-1149): EDRFDQQKND[Tyr1139Cys]DQLQKARQCE

ClinVar aggregate classification (germline): Uncertain significance. Review status: criteria provided, multiple submitters, no conflicts (2 of 4 stars). 4 submissions from 4 submitters: Uncertain significance (4). Last evaluated 2025-12-17.

Conditions:
Cardiovascular phenotype. Identifiers: MedGen CN230736.
Arrhythmogenic cardiomyopathy with wooly hair and keratoderma. Also called: Carvajal syndrome; PALMOPLANTAR KERATODERMA WITH LEFT VENTRICULAR CARDIOMYOPATHY AND WOOLLY HAIR; Dilated cardiomyopathy with woolly hair and keratoderma; Arrhythmogenic cardiomyopathy with woolly hair and keratoderma. Identifiers: Orphanet 65282, MedGen C1854063, MONDO:0011581, OMIM 605676.
Arrhythmogenic right ventricular dysplasia 8 (ARVD8). Also called: Arrhythmogenic Right Ventricular Dysplasia/Cardiomyopathy 8; ARRHYTHMOGENIC RIGHT VENTRICULAR DYSPLASIA, FAMILIAL, 8; ARRHYTHMOGENIC RIGHT VENTRICULAR CARDIOMYOPATHY 8. Identifiers: MedGen C1843896, MONDO:0011831, OMIM 607450.

Allele frequency attached by ClinVar (database versions not stated): gnomAD 0.00001; TOPMed below 0.00001.
gnomAD v4.1: 1 of 1,613,928 alleles (0.000062%); highest among the groups gnomAD compares: African/African-American, 0.0013%; no homozygotes.

Submissions (4):

Ambry Genetics
Classification: Uncertain significance for Cardiovascular phenotype. Last evaluated: 2025-12-17. Review status: criteria provided, single submitter. Criteria: Ambry Variant Classification Scheme 2023. Collection method: clinical testing. Allele origin: germline.
Comment: The p.Y1139C variant (also known as c.3416A>G), located in coding exon 23 of the DSP gene, results from an A to G substitution at nucleotide position 3416. The tyrosine at codon 1139 is replaced by cysteine, an amino acid with highly dissimilar properties. This variant was reported in individual(s) with features consistent with DSP-related cardiomyopathy (Bassetto G et al. Eur J Heart Fail, 2024 Mar;26:590-597; Gasperetti A et al. JACC Adv, 2024 Mar;3:100832; Perret C et al. Clin Genet, 2024 Feb;105:185-189). This amino acid position is well conserved in available vertebrate species. In addition, this alteration is predicted to be deleterious by in silico analysis. Based on the available evidence, the clinical significance of this variant remains unclear.

Labcorp Genetics (formerly Invitae), Labcorp
Classification: Uncertain significance for Arrhythmogenic cardiomyopathy with wooly hair and keratoderma; Arrhythmogenic right ventricular dysplasia 8. Last evaluated: 2024-04-24. Review status: criteria provided, single submitter. Criteria: Invitae Variant Classification Sherloc (09022015). Collection method: clinical testing. Allele origin: germline.
Comment: This sequence change replaces tyrosine, which is neutral and polar, with cysteine, which is neutral and slightly polar, at codon 1139 of the DSP protein (p.Tyr1139Cys). This variant is not present in population databases (gnomAD no frequency). This variant has not been reported in the literature in individuals affected with DSP-related conditions. An algorithm developed to predict the effect of missense changes on protein structure and function (PolyPhen-2) suggests that this variant is likely to be disruptive. In summary, the available evidence is currently insufficient to determine the role of this variant in disease. Therefore, it has been classified as a Variant of Uncertain Significance.

All of Us Research Program, National Institutes of Health
Classification: Uncertain significance for Arrhythmogenic cardiomyopathy with wooly hair and keratoderma. Last evaluated: 2023-11-02. Review status: criteria provided, single submitter. Criteria: ACMG Guidelines, 2015. Collection method: clinical testing. Allele origin: germline. Inheritance: Autosomal dominant inheritance. Observed: 1 variant allele, 1 heterozygote.
Comment: This missense variant replaces tyrosine with cysteine at codon 1139 of the DSP protein. Computational prediction is inconclusive regarding the impact of this variant on protein structure and function (internally defined REVEL score threshold 0.5 < inconclusive < 0.7, PMID: 27666373). To our knowledge, functional studies have not been reported for this variant. This variant has not been reported in individuals affected with DSP-related disorders in the literature. This variant has not been identified in the general population by the Genome Aggregation Database (gnomAD). The available evidence is insufficient to determine the role of this variant in disease conclusively. Therefore, this variant is classified as a Variant of Uncertain Significance.

This study involves interpretation of variants in research participants for the purpose of population health screening. Participant phenotype was not available at the time of variant classification. Additional details can be found in publication PMID: 35346344, PMCID: PMC8962531

Neuberg Centre For Genomic Medicine, NCGM
Classification: Uncertain significance for Arrhythmogenic right ventricular dysplasia 8. Review status: criteria provided, single submitter. Criteria: ACMG Guidelines, 2015. Collection method: clinical testing. Allele origin: germline. Inheritance: Autosomal dominant inheritance. Affected: yes.
Comment: The observed missense c.3416A>G (p.Tyr1139Cys) variant in DSP gene has not been previously reported as a pathogenic nor as a benign variant, to our knowledge. The p.Tyr1139Cys variant is absent in gnomAD exomes. This variant has not been submitted to the ClinVar database. Multiple lines of computational evidences (Polyphen - Pobably damaging, SIFT- Damaging, MutationTaster - Disease causing) predict a damaging effect on protein structure and function for this variant. The reference amino acid of p.Tyr1139Cys in DSP gene is predicted as conserved by GERP++ and PhyloP across 100 vertebrates. The amino acid Tyr at position 1139 is changed to a Cys changing protein sequence and it might alter its composition and physico-chemical properties. For these reasons, this variant has been classified as Variant of Uncertain Significance (VUS).

Literature cited by the submitters: PubMed 37904629 (cited by Ambry Genetics); PubMed 38414301 (cited by Ambry Genetics); PubMed 38938828 (cited by Ambry Genetics).